The following is an entry in ClinVar:

NM_006019.4(TCIRG1):c.763G>A (p.Gly255Arg)

Gene: TCIRG1 (T cell immune regulator 1, ATPase H+ transporting V0 subunit a3; plus strand). Cytogenetic location: 11q13.2.
Variant type: single nucleotide variant.
Coding change: c.763G>A on transcript NM_006019.4 (MANE Select); coding-DNA position 763, G replaced by A.
Protein change: p.Gly255Arg; replaces glycine 255 with arginine.
Molecular consequence: missense variant. On other transcripts: 5 prime UTR variant (1).
Genome position (GRCh38, 1-based): chr11:68,043,863, G>A. VCF-style: chr11-68043863-G-A. GRCh37 (hg19) VCF-style: chr11-67811330-G-A.
Other names: c.-132G>A (NM_001351059.2); c.115G>A, p.Gly39Arg (NM_006053.4); short protein forms G255R, G39R.
Identifiers: ClinVar variation 991159 (VCV000991159.6), dbSNP rs376201635, ClinGen allele CA6146813.

ClinVar aggregate classification (germline): Uncertain significance. Review status: criteria provided, multiple submitters, no conflicts (2 of 4 stars). 3 submissions from 3 submitters: Uncertain significance (2). 1 of the submissions does not count toward it. Last evaluated 2025-02-15.

Conditions:
Autosomal recessive osteopetrosis 1. Also called: ALBERS-SCHONBERG DISEASE, AUTOSOMAL RECESSIVE; TCIRG1-Related Osteopetrosis; TCIRG1-Related Autosomal Recessive Osteopetrosis. Identifiers: Orphanet 667, MedGen C1850127, MONDO:0009815, OMIM 259700.

Allele frequency attached by ClinVar (database versions not stated): TOPMed 0.00003; gnomAD exomes 0.00004; gnomAD 0.00005; ExAC 0.00008; ESP Exome Variant Server 0.00008.

Submissions (3):

Labcorp Genetics (formerly Invitae), Labcorp
Classification: Uncertain significance. Last evaluated: 2025-02-15. Review status: criteria provided, single submitter. Criteria: Invitae Variant Classification Sherloc (09022015). Collection method: clinical testing. Allele origin: germline.
Comment: This sequence change replaces glycine, which is neutral and non-polar, with arginine, which is basic and polar, at codon 255 of the TCIRG1 protein (p.Gly255Arg). This variant is present in population databases (rs376201635, gnomAD 0.02%). This variant has not been reported in the literature in individuals affected with TCIRG1-related conditions. ClinVar contains an entry for this variant (Variation ID: 991159). Invitae Evidence Modeling of protein sequence and biophysical properties (such as structural, functional, and spatial information, amino acid conservation, physicochemical variation, residue mobility, and thermodynamic stability) indicates that this missense variant is not expected to disrupt TCIRG1 protein function with a negative predictive value of 80%. In summary, the available evidence is currently insufficient to determine the role of this variant in disease. Therefore, it has been classified as a Variant of Uncertain Significance.

Fulgent Genetics
Classification: Uncertain significance for Autosomal recessive osteopetrosis 1. Last evaluated: 2021-07-24. Review status: criteria provided, single submitter. Criteria: ACMG Guidelines, 2015. Collection method: clinical testing. Allele origin: unknown.

Natera, Inc.
Classification: Uncertain significance for Infantile malignant osteopetrosis. Last evaluated: 2020-04-15. Review status: no assertion criteria provided. Collection method: clinical testing. Allele origin: germline. Not counted in ClinVar's aggregate classification.